The following is an entry in ClinVar:

NM_017534.6(MYH2):c.2564T>A (p.Met855Lys)

Genes: MYH2 (myosin heavy chain 2; minus strand), MYHAS (myosin heavy chain gene cluster antisense RNA; plus strand). Cytogenetic location: 17p13.1.
Variant type: single nucleotide variant.
Coding change: c.2564T>A on transcript NM_017534.6 (MANE Select); coding-DNA position 2564, T replaced by A.
Protein change: p.Met855Lys; replaces methionine 855 with lysine.
Molecular consequence: missense variant.
Genome position (GRCh38, 1-based): chr17:10,531,766, A>T on the plus strand (T>A on the coding strand, the complement: MYH2 is on the minus strand). VCF-style: chr17-10531766-A-T. GRCh37 (hg19) VCF-style: chr17-10435083-A-T.
Other names: c.2564T>A, p.Met855Lys (NM_001100112.2); short protein forms M855K.
Identifiers: ClinVar variation 2785412 (VCV002785412.3), dbSNP rs1220559051, ClinGen allele CA398145843.

ClinVar aggregate classification (germline): Uncertain significance (1 of 4 stars; one submission).

Conditions:
Myopathy, proximal, and ophthalmoplegia (CMYO6). Also called: INCLUSION BODY MYOPATHY 3, AUTOSOMAL DOMINANT; CONGENITAL MYOPATHY 6 WITH OPHTHALMOPLEGIA; MYOPATHY WITH CONGENITAL JOINT CONTRACTURES, OPHTHALMOPLEGIA, AND RIMMED VACUOLES. Identifiers: Orphanet 363677, Orphanet 79091, MedGen C1854106, MONDO:0011577, OMIM 605637.

Allele frequency attached by ClinVar (database versions not stated): gnomAD 0.00001; TOPMed 0.00001.
gnomAD v4.1: 2 of 1,614,060 alleles (0.00012%); highest among the groups gnomAD compares: African/African-American, 0.0013%; no homozygotes.

Submission:

Labcorp Genetics (formerly Invitae), Labcorp
Classification: Uncertain significance for Myopathy, proximal, and ophthalmoplegia. Last evaluated: 2025-03-05. Review status: criteria provided, single submitter. Criteria: Invitae Variant Classification Sherloc (09022015). Collection method: clinical testing. Allele origin: germline.
Comment: This sequence change replaces methionine, which is neutral and non-polar, with lysine, which is basic and polar, at codon 855 of the MYH2 protein (p.Met855Lys). This variant is present in population databases (no rsID available, gnomAD 0.007%). This variant has not been reported in the literature in individuals affected with MYH2-related conditions. ClinVar contains an entry for this variant (Variation ID: 2785412). Invitae Evidence Modeling of protein sequence and biophysical properties (such as structural, functional, and spatial information, amino acid conservation, physicochemical variation, residue mobility, and thermodynamic stability) indicates that this missense variant is not expected to disrupt MYH2 protein function with a negative predictive value of 80%. In summary, the available evidence is currently insufficient to determine the role of this variant in disease. Therefore, it has been classified as a Variant of Uncertain Significance.